The following is an entry in ClinVar:

NM_001849.4(COL6A2):c.1718_1719inv (p.Gly573Val)

Gene: COL6A2 (collagen type VI alpha 2 chain; plus strand). Cytogenetic location: 21q22.3.
Variant type: Inversion.
Coding change: c.1718_1719inv on transcript NM_001849.4 (MANE Select).
Protein change: p.Gly573Val; replaces glycine 573 with valine.
Molecular consequence: missense variant.
Genome position: GRCh38 VCF-style: chr21-46124697-GA-TC. GRCh37 (hg19) VCF-style: chr21-47544611-GA-TC.
Other names: c.1718_1719inv, p.Gly573Val (NM_058174.3, NM_058175.3); short protein forms G573V.
Identifiers: ClinVar variation 3632495 (VCV003632495.2).
Genomic context (GRCh38, chr21:46,124,697, plus strand): 5'-TTGTTCCTTCTCAGGCGGATCCTGGTCCCCCTGGTGAGCCAGGCCCTCGGGGGCCAAGAG[GA>TC]GTCCCAGGACCCGAGGTAGGTTGGTGGCCAGTCCCCATGCCCTCCCCCCAACCTGCCAGG-3'
Protein context (NP_001840.3, residues 563-583): PGEPGPRGPR[Gly573Val]VPGPEGEPGP

ClinVar aggregate classification (germline): Uncertain significance (1 of 4 stars; one submission).

Conditions:
Bethlem myopathy 1A. Also called: Bethlem myopathy 1; MYOPATHY, BENIGN CONGENITAL, WITH CONTRACTURES; Bethlem Muscular Dystrophy. Identifiers: Orphanet 610, MedGen CN029274, MONDO:0024530, OMIM 158810.

Submission:

Labcorp Genetics (formerly Invitae), Labcorp
Classification: Uncertain significance for Bethlem myopathy 1A. Last evaluated: 2025-01-15. Review status: criteria provided, single submitter. Criteria: Invitae Variant Classification Sherloc (09022015). Collection method: clinical testing. Allele origin: germline.
Comment: This sequence change replaces glycine, which is neutral and non-polar, with valine, which is neutral and non-polar, at codon 573 of the COL6A2 protein (p.Gly573Val). Information on the frequency of this variant in the gnomAD database is not available, as this variant may be reported differently in the database. This variant has not been reported in the literature in individuals affected with COL6A2-related conditions. An algorithm developed to predict the effect of missense changes on protein structure and function (PolyPhen-2) suggests that this variant is likely to be disruptive. This variant disrupts the triple helix domain of COL6A2. Glycine residues within the Gly-Xaa-Yaa repeats of the triple helix domain are required for the structure and stability of fibrillar collagens (PMID: 7695699, 8218237, 19344236). In COL6A2, missense variants at these glycine residues are significantly enriched in individuals with autosomal dominant disease (PMID: 15689448, 24038877) compared to the general population (ExAC). In summary, the available evidence is currently insufficient to determine the role of this variant in disease. Therefore, it has been classified as a Variant of Uncertain Significance.

Literature cited by the submitters: PubMed 7695699; PubMed 8218237; PubMed 19344236; PubMed 15689448; PubMed 24038877.